The following is an entry in ClinVar:

NM_000038.6(APC):c.-18-2634C>A

Gene: APC (APC regulator of WNT signaling pathway; plus strand). Cytogenetic location: 5q22.2.
Variant type: single nucleotide variant.
Coding change: c.-18-2634C>A on transcript NM_000038.6 (MANE Select); 2634 bases into the intron before 18 bases upstream of the start codon, C replaced by A.
Molecular consequence: intron variant.
Genome position (GRCh38, 1-based): chr5:112,752,239, C>A. VCF-style: chr5-112752239-C-A. GRCh37 (hg19) VCF-style: chr5-112087936-C-A.
Other names: c.-18-2634C>A (NM_001354895.2, NM_001127510.3, NM_001354896.2 and 2 more transcripts); c.166-14087C>A (NM_001354897.2, NM_001354902.2, NM_001127511.3); c.60+13779C>A (NM_001354898.2, NM_001354904.2); c.-1053-2634C>A (NM_001354906.2); c.-42-14087C>A (NM_001354900.2, NM_001354901.2, NM_001354905.2).
Identifiers: ClinVar variation 82804 (VCV000082804.2), dbSNP rs77939971, ClinGen allele CA006062.

ClinVar aggregate classification (germline): other (0 of 4 stars; one submission).

Conditions:
Familial colorectal cancer. Identifiers: MedGen CN280943, MONDO:0023113. Disease mechanism: loss of function.

Submission:

Systems Biology Platform Zhejiang California International NanoSystems Institute
Classification: other for Familial colorectal cancer. Review status: no assertion criteria provided. Collection method: not provided. Allele origin: unknown.
ClinVar note: Converted during submission from cancer to other.